The following is an entry in ClinVar:

ClinVar aggregate classification (germline): Uncertain significance (1 of 4 stars; one submission).

Conditions:
Duchenne muscular dystrophy (DMD). Also called: Duchenne Muscular Dystrophy (DMD); MUSCULAR DYSTROPHY, PSEUDOHYPERTROPHIC PROGRESSIVE, DUCHENNE TYPE. Identifiers: Orphanet 98896, MedGen C0013264, MONDO:0010679, OMIM 310200.

Allele frequency attached by ClinVar (database versions not stated): gnomAD exomes below 0.00001 and 0.00001; ExAC 0.00001.
gnomAD v4.1: 2 of 1,211,511 alleles (0.00017%); highest among the groups gnomAD compares: Admixed American, 0.0043%; no homozygotes.

Submission:

Labcorp Genetics (formerly Invitae), Labcorp
Classification: Uncertain significance for Duchenne muscular dystrophy. Last evaluated: 2025-06-08. Review status: criteria provided, single submitter. Criteria: Invitae Variant Classification Sherloc (09022015). Collection method: clinical testing. Allele origin: germline.
Comment: This sequence change replaces valine, which is neutral and non-polar, with alanine, which is neutral and non-polar, at codon 1401 of the DMD protein (p.Val1401Ala). This variant is present in population databases (rs751046843, gnomAD 0.004%). This variant has not been reported in the literature in individuals affected with DMD-related conditions. ClinVar contains an entry for this variant (Variation ID: 1449661). Invitae Evidence Modeling of protein sequence and biophysical properties (such as structural, functional, and spatial information, amino acid conservation, physicochemical variation, residue mobility, and thermodynamic stability) indicates that this missense variant is not expected to disrupt DMD protein function with a negative predictive value of 95%. In summary, the available evidence is currently insufficient to determine the role of this variant in disease. Therefore, it has been classified as a Variant of Uncertain Significance.

NM_004006.3(DMD):c.4202T>C (p.Val1401Ala)

Gene: DMD (dystrophin; minus strand). Cytogenetic location: Xp21.1.
Variant type: single nucleotide variant.
Coding change: c.4202T>C on transcript NM_004006.3 (MANE Select); coding-DNA position 4202, T replaced by C.
Protein change: p.Val1401Ala; replaces valine 1401 with alanine.
Molecular consequence: missense variant.
Genome position (GRCh38, 1-based): chrX:32,411,783, A>G on the plus strand (T>C on the coding strand, the complement: DMD is on the minus strand). VCF-style: chrX-32411783-A-G. GRCh37 (hg19) VCF-style: chrX-32429900-A-G.
Other names: c.4178T>C, p.Val1393Ala (NM_000109.4); c.4190T>C, p.Val1397Ala (NM_004009.3); c.3833T>C, p.Val1278Ala (NM_004010.3); c.179T>C, p.Val60Ala (NM_004011.4); c.170T>C, p.Val57Ala (NM_004012.4); short protein forms V57A, V1393A, V1397A, V60A, V1278A, V1401A.
Identifiers: ClinVar variation 1449661 (VCV001449661.7), dbSNP rs751046843, ClinGen allele CA10379021.